The following is an entry in ClinVar:

ClinVar aggregate classification (germline): Uncertain significance (1 of 4 stars; one submission).

gnomAD v4.1: 12 of 1,612,002 alleles (0.00074%); highest among the groups gnomAD compares: Non-Finnish European, 0.001%; no homozygotes.

Submission:

Labcorp Genetics (formerly Invitae), Labcorp
Classification: Uncertain significance. Last evaluated: 2025-08-25. Review status: criteria provided, single submitter. Criteria: Invitae Variant Classification Sherloc (09022015). Collection method: clinical testing. Allele origin: germline.
Comment: This sequence change replaces isoleucine, which is neutral and non-polar, with arginine, which is basic and polar, at codon 2315 of the ACAN protein (p.Ile2315Arg). This variant is not present in population databases (gnomAD no frequency). This variant has not been reported in the literature in individuals affected with ACAN-related conditions. ClinVar contains an entry for this variant (Variation ID: 3712328). An algorithm developed to predict the effect of missense changes on protein structure and function (PolyPhen-2) suggests that this variant is likely to be disruptive. In summary, the available evidence is currently insufficient to determine the role of this variant in disease. Therefore, it has been classified as a Variant of Uncertain Significance.

NM_001369268.1(ACAN):c.6944T>G (p.Ile2315Arg)

Gene: ACAN (aggrecan; plus strand). Cytogenetic location: 15q26.1.
Variant type: single nucleotide variant.
Coding change: c.6944T>G on transcript NM_001369268.1 (MANE Select); coding-DNA position 6944, T replaced by G.
Protein change: p.Ile2315Arg; replaces isoleucine 2315 with arginine.
Molecular consequence: missense variant. On other transcripts: intron variant (3).
Genome position (GRCh38, 1-based): chr15:88,860,437, T>G. VCF-style: chr15-88860437-T-G. GRCh37 (hg19) VCF-style: chr15-89403668-T-G.
Other names: c.6944T>G, p.Ile2315Arg (NM_013227.4); c.6832+1020T>G (NM_001411097.1, NM_001411096.1, NM_001135.4); short protein forms I2315R.
Identifiers: ClinVar variation 3712328 (VCV003712328.2).